The following is an entry in ClinVar:

NM_018133.4(MSL2):c.1134dup (p.Lys379fs)

Gene: MSL2 (MSL complex subunit 2; minus strand). Cytogenetic location: 3q22.3.
Variant type: Duplication.
Coding change: c.1134dup on transcript NM_018133.4 (MANE Select); coding-DNA position 1134, one base duplicated (C; older notation c.1134dupC).
Protein change: p.Lys379fs; shifts the reading frame from lysine 379.
Molecular consequence: frameshift variant.
Genome position (GRCh38, 1-based): chr3:136,151,747, G duplicated on the plus strand (C on the coding strand, the reverse complement: MSL2 is on the minus strand). VCF-style (leftmost placement, unchanged base first): chr3-136151746-T-TG. GRCh37 (hg19) VCF-style: chr3-135870588-T-TG.
Other names: c.912dup, p.Lys305fs (NM_001145417.2); short protein forms K305fs, K379fs.
Identifiers: ClinVar variation 3252355 (VCV003252355.2), dbSNP rs2529545625.

ClinVar aggregate classification (germline): Likely pathogenic (1 of 4 stars; one submission).

Submission:

GeneDx
Classification: Likely pathogenic. Last evaluated: 2024-12-06. Review status: criteria provided, single submitter. Criteria: GeneDx Variant Classification Process June 2021. Collection method: clinical testing. Allele origin: germline.
Comment: Frameshift variant predicted to result in abnormal protein length as the last 199 amino acid(s) are replaced with 17 different amino acid(s); Not observed at significant frequency in large population cohorts (gnomAD); Has not been previously published as pathogenic or benign to our knowledge